The following is an entry in ClinVar:

NM_004006.3(DMD):c.1248A>T (p.Glu416Asp)

Gene: DMD (dystrophin; minus strand). Cytogenetic location: Xp21.1.
Variant type: single nucleotide variant.
Coding change: c.1248A>T on transcript NM_004006.3 (MANE Select); coding-DNA position 1248, A replaced by T.
Protein change: p.Glu416Asp; replaces glutamic acid 416 with aspartic acid.
Molecular consequence: missense variant.
Genome position (GRCh38, 1-based): chrX:32,644,215, T>A on the plus strand (A>T on the coding strand, the complement: DMD is on the minus strand). VCF-style: chrX-32644215-T-A. GRCh37 (hg19) VCF-style: chrX-32662332-T-A.
Other names: c.1224A>T, p.Glu408Asp (NM_000109.4); c.1236A>T, p.Glu412Asp (NM_004009.3); c.879A>T, p.Glu293Asp (NM_004010.3); short protein forms E416D, E293D, E408D, E412D.
Identifiers: ClinVar variation 228579 (VCV000228579.4), dbSNP rs876657777, ClinGen allele CA10577168.

ClinVar aggregate classification (germline): Uncertain significance (1 of 4 stars; one submission).

Submission:

Laboratory for Molecular Medicine, Mass General Brigham Personalized Medicine
Classification: Uncertain significance. Last evaluated: 2016-02-10. Review status: criteria provided, single submitter. Criteria: LMM Criteria. Collection method: clinical testing. Allele origin: germline. Observed: 1 variant allele.
Comment: The p.Glu416Asp variant in DMD has not been previously reported in individuals w ith cardiomyopathy or in large population studies. Computational prediction tool s and conservation analysis do not provide strong support for or against an impa ct to the protein. In summary, the clinical significance of the p.Glu416Asp vari ant is uncertain.